The following is an entry in ClinVar:

NM_014905.5(GLS):c.2T>G (p.Met1Arg)

Gene: GLS (glutaminase; plus strand). Cytogenetic location: 2q32.2.
Variant type: single nucleotide variant.
Coding change: c.2T>G on transcript NM_014905.5 (MANE Select); coding-DNA position 2, T replaced by G.
Protein change: p.Met1Arg; changes the start codon (methionine 1).
Molecular consequence: missense variant, initiator codon variant.
Genome position (GRCh38, 1-based): chr2:190,881,086, T>G. VCF-style: chr2-190881086-T-G. GRCh37 (hg19) VCF-style: chr2-191745812-T-G.
Other names: c.2T>G, p.Met1Arg (NM_001256310.2, NM_001437282.1, NM_001437283.1); short protein forms M1R.
Identifiers: ClinVar variation 4887489 (VCV004887489.1).

ClinVar aggregate classification (germline): Uncertain significance (1 of 4 stars; one submission).

Submission:

Women's Health and Genetics/Laboratory Corporation of America, LabCorp
Classification: Uncertain significance. Last evaluated: 2026-06-05. Review status: criteria provided, single submitter. Criteria: LabCorp Variant Classification Summary - May 2015. Collection method: clinical testing. Allele origin: germline.
Comment: Variant summary: GLS c.2T>G (p.Met1Arg) alters the canonical initiation codon and is predicted to result either in absence of the protein or truncation of the encoded protein due to translation initiation at a downstream codon. The next downstream in-frame methionine is at codon 2. However, the use of Met2 as an alternative initiation site has not been experimentally confirmed. The variant was absent in 156300 control chromosomes. The available data on variant occurrences in the general population are insufficient to allow any conclusion about variant significance. To our knowledge, no occurrence of c.2T>G in individuals affected with GLS-related conditions and no experimental evidence demonstrating its impact on protein function have been reported. No submitters have cited clinical significance assessments for this variant in ClinVar. Based on the evidence outlined above, the variant was classified as uncertain significance.